The following is an entry in ClinVar:

NM_000069.3(CACNA1S):c.2258C>T (p.Pro753Leu)

Gene: CACNA1S (calcium voltage-gated channel subunit alpha1 S; minus strand). Cytogenetic location: 1q32.1.
Variant type: single nucleotide variant.
Coding change: c.2258C>T on transcript NM_000069.3 (MANE Select); coding-DNA position 2258, C replaced by T.
Protein change: p.Pro753Leu; replaces proline 753 with leucine.
Molecular consequence: missense variant.
Genome position (GRCh38, 1-based): chr1:201,070,374, G>A on the plus strand (C>T on the coding strand, the complement: CACNA1S is on the minus strand). VCF-style: chr1-201070374-G-A. GRCh37 (hg19) VCF-style: chr1-201039502-G-A.
Other names: c.2258C>T (NM_000069.2); short protein forms P753L.
Identifiers: ClinVar variation 2053244 (VCV002053244.6), dbSNP rs190705834, ClinGen allele CA078902.

ClinVar aggregate classification (germline): Conflicting classifications of pathogenicity. Review status: criteria provided, conflicting classifications (1 of 4 stars). 3 submissions from 3 submitters: Uncertain significance (2); Likely benign (1). Last evaluated 2025-12-17.

Conditions:
Malignant hyperthermia, susceptibility to, 5 (MHS5). Also called: CACNA1S-Related Malignant Hyperthermia Susceptibility. Identifiers: Orphanet 423, MedGen C1866077, MONDO:0011163, OMIM 601887.
Hypokalemic periodic paralysis, type 1. Also called: HypoPP; Hypokalemic Periodic Paralysis Type 1 (AD). Identifiers: Orphanet 681, MedGen C3714580, MONDO:0042979, OMIM 170400.

Allele frequency attached by ClinVar (database versions not stated): gnomAD exomes 0.00001; ExAC 0.00002; TOPMed 0.00002; gnomAD 0.00004; 1000 Genomes Project 0.00040; 1000 Genomes Project 30x 0.00047.
gnomAD v4.1: 18 of 1,614,028 alleles (0.0011%); highest among the groups gnomAD compares: African/African-American, 0.0067%; no homozygotes.

Submissions (3):

Labcorp Genetics (formerly Invitae), Labcorp
Classification: Likely benign for Hypokalemic periodic paralysis, type 1; Malignant hyperthermia, susceptibility to, 5. Last evaluated: 2025-12-17. Review status: criteria provided, single submitter. Criteria: Invitae Variant Classification Sherloc (09022015). Collection method: clinical testing. Allele origin: germline.

Color Diagnostics, LLC DBA Color Health
Classification: Uncertain significance for Malignant hyperthermia, susceptibility to, 5. Last evaluated: 2025-08-08. Review status: criteria provided, single submitter. Criteria: ACMG Guidelines, 2015. Collection method: clinical testing. Allele origin: germline.
Comment: This missense variant replaces proline with leucine at codon 753 of the CACNA1S protein. Computational prediction suggests that this variant may have deleterious impact on protein structure and function. To our knowledge, functional studies have not been reported for this variant. This variant has not been reported in individuals affected with CACNA1S-related disorders in the literature. This variant has been identified in 7/251336 chromosomes in the general population by the Genome Aggregation Database (gnomAD). The available evidence is insufficient to determine the role of this variant in disease conclusively. Therefore, this variant is classified as a Variant of Uncertain Significance.

GeneDx
Classification: Uncertain significance. Last evaluated: 2025-04-18. Review status: criteria provided, single submitter. Criteria: GeneDx Variant Classification Process June 2021. Collection method: clinical testing. Allele origin: germline. Affected: yes.
Comment: In silico analysis supports that this missense variant has a deleterious effect on protein structure/function; Has not been previously published as pathogenic or benign to our knowledge